The following is an entry in ClinVar:

ClinVar aggregate classification (germline): Likely benign (1 of 4 stars; one submission).

Allele frequency attached by ClinVar (database versions not stated): 1000 Genomes Project 0.00060; 1000 Genomes Project 30x 0.00062; TOPMed 0.00147; gnomAD 0.00154; ESP Exome Variant Server 0.00169; ExAC 0.00221.

Submission:

CeGaT Center for Human Genetics Tuebingen
Classification: Likely benign. Last evaluated: 2023-01-01. Review status: criteria provided, single submitter. Criteria: CeGaT Center For Human Genetics Tuebingen Variant Classification Criteria Version 2. Collection method: clinical testing. Allele origin: germline. Affected: yes. Observed: 1 variant allele.
Comment: MFSD6L: BP4, BS2

NM_152599.4(MFSD6L):c.1292C>T (p.Thr431Met)

Gene: MFSD6L (major facilitator superfamily domain containing 6 like; minus strand). Cytogenetic location: 17p13.1.
Variant type: single nucleotide variant.
Coding change: c.1292C>T on transcript NM_152599.4 (MANE Select); coding-DNA position 1292, C replaced by T.
Protein change: p.Thr431Met; replaces threonine 431 with methionine.
Molecular consequence: missense variant.
Genome position (GRCh38, 1-based): chr17:8,797,829, G>A on the plus strand (C>T on the coding strand, the complement: MFSD6L is on the minus strand). VCF-style: chr17-8797829-G-A. GRCh37 (hg19) VCF-style: chr17-8701147-G-A.
Other names: short protein forms T431M.
Identifiers: ClinVar variation 2647459 (VCV002647459.24), dbSNP rs143053789, ClinGen allele CA8378969.
Genomic context (GRCh38, chr17:8,797,829, plus strand): 5'-AGGAAAGAGTAGTACAGCAGCTGCCCAGCGAGGCAGCTCAGCCCCAGCCCCACCAGGCCC[G>A]TCCTGGACAGTTTCCTAAGCAATGTAGCTTTGAACGGATGAAGCAGAATTTCCCCCAGCA-3'
Protein context (NP_689812.3, residues 421-441): KATLLRKLSR[Thr431Met]GLVGLGLSCL